The following is an entry in ClinVar:

ClinVar aggregate classification (germline): Pathogenic (1 of 4 stars; one submission).

Conditions:
Catecholaminergic polymorphic ventricular tachycardia 1. Also called: RYR2-Related Catecholaminergic Polymorphic Ventricular Tachycardia; VENTRICULAR TACHYCARDIA, CATECHOLAMINERGIC POLYMORPHIC, 1, WITH OR WITHOUT ATRIAL DYSFUNCTION AND/OR DILATED CARDIOMYOPATHY; VENTRICULAR TACHYCARDIA, STRESS-INDUCED POLYMORPHIC 1. Identifiers: Orphanet 3286, MedGen C1631597, MONDO:0011484, OMIM 604772.

Submission:

Labcorp Genetics (formerly Invitae), Labcorp
Classification: Pathogenic for Catecholaminergic polymorphic ventricular tachycardia 1. Last evaluated: 2022-06-13. Review status: criteria provided, single submitter. Criteria: Invitae Variant Classification Sherloc (09022015). Collection method: clinical testing. Allele origin: unknown.
Comment: For these reasons, this variant has been classified as Pathogenic. This variant has not been reported in the literature in individuals affected with TRDN-related conditions. This variant is a gross deletion of the genomic region encompassing exon(s) 1 of the TRDN gene, which includes the initiator codon. This deletion extends beyond the assayed region for this gene and therefore may encompass additional genes. It is expected to result in an absent or disrupted protein product. Loss-of-function variants in TRDN are known to be pathogenic (PMID: 22422768, 25922419, 26200674).

Literature cited by the submitters: PubMed 22422768; PubMed 25922419; PubMed 26200674.

NC_000006.11:g.(?_123957879)_(123957920_?)del

Gene: TRDN (triadin; minus strand). Cytogenetic location: 6q22.31.
Variant type: Deletion.
Identifiers: ClinVar variation 3245990 (VCV003245990.1).